The following is an entry in ClinVar:

NM_001845.6(COL4A1):c.4498A>G (p.Met1500Val)

Gene: COL4A1 (collagen type IV alpha 1 chain; minus strand). Cytogenetic location: 13q34.
Variant type: single nucleotide variant.
Coding change: c.4498A>G on transcript NM_001845.6 (MANE Select); coding-DNA position 4498, A replaced by G.
Protein change: p.Met1500Val; replaces methionine 1500 with valine.
Molecular consequence: missense variant.
Genome position (GRCh38, 1-based): chr13:110,161,334, T>C on the plus strand (A>G on the coding strand, the complement: COL4A1 is on the minus strand). VCF-style: chr13-110161334-T-C. GRCh37 (hg19) VCF-style: chr13-110813681-T-C.
Other names: c.4498A>G (NM_001845.4); short protein forms M1500V.
Identifiers: ClinVar variation 3575672 (VCV003575672.3).

ClinVar aggregate classification (germline): Uncertain significance. Review status: criteria provided, multiple submitters, no conflicts (2 of 4 stars). 3 submissions from 3 submitters: Uncertain significance (3). Last evaluated 2025-04-09.

Conditions:
Inborn genetic diseases. Identifiers: MedGen C0950123, MeSH D030342.
Brain small vessel disease 1 with or without ocular anomalies (BSVD1). Also called: BRAIN SMALL VESSEL DISEASE WITH HEMORRHAGE; Brain small vessel disease with or without ocular anomalies; GOULD SYNDROME 1; PORENCEPHALY, TYPE 1, AUTOSOMAL DOMINANT. Identifiers: Orphanet 2940, Orphanet 36383, Orphanet 99810, MedGen C4755307, MONDO:0008289, OMIM 175780.
Hemorrhage, intracerebral, susceptibility to (ICH). Also called: Stroke, hemorrhagic, susceptibility to. Identifiers: MedGen C3281105, MONDO:0100533, OMIM 614519.
Retinal arterial tortuosity. Also called: RETINAL HEMORRHAGE WITH VASCULAR TORTUOSITY; Retinal arteries, tortuosity of. Identifiers: Orphanet 75326, MedGen C0423401, MONDO:0008373, OMIM 180000, HP:0000631.
Autosomal dominant familial hematuria-retinal arteriolar tortuosity-contractures syndrome. Also called: Angiopathy, hereditary, with nephropathy, aneurysms, and muscle cramps; Hereditary Angiopathy with Nephropathy, Aneurysms, and Muscle Cramps (HANAC) Syndrome. Identifiers: Orphanet 73229, MedGen C2673195, MONDO:0012726, OMIM 611773.
Microangiopathy and leukoencephalopathy, pontine, autosomal dominant. Also called: DEMENTIA, HEREDITARY MULTI-INFARCT, SWEDISH TYPE; Pontine autosomal dominant microangiopathy with leukoencephalopathy. Identifiers: Orphanet 477749, MedGen C5231411, MONDO:0032814, OMIM 618564.

Submissions (3):

Ambry Genetics
Classification: Uncertain significance for Inborn genetic diseases. Last evaluated: 2025-04-09. Review status: criteria provided, single submitter. Criteria: Ambry Variant Classification Scheme 2023. Collection method: clinical testing. Allele origin: germline.

GeneDx
Classification: Uncertain significance. Last evaluated: 2025-03-05. Review status: criteria provided, single submitter. Criteria: GeneDx Variant Classification Process June 2021. Collection method: clinical testing. Allele origin: germline. Affected: yes.
Comment: Not observed at significant frequency in large population cohorts (gnomAD); In silico analysis supports that this missense variant has a deleterious effect on protein structure/function; Has not been previously published as pathogenic or benign to our knowledge

Fulgent Genetics
Classification: Uncertain significance for Brain small vessel disease 1 with or without ocular anomalies; Retinal arterial tortuosity; Autosomal dominant familial hematuria-retinal arteriolar tortuosity-contractures syndrome; Hemorrhage, intracerebral, susceptibility to; Microangiopathy and leukoencephalopathy, pontine, autosomal dominant. Last evaluated: 2024-06-11. Review status: criteria provided, single submitter. Criteria: ACMG Guidelines, 2015. Collection method: clinical testing. Allele origin: germline.